The following is an entry in ClinVar:

ClinVar aggregate classification (germline): Uncertain significance (1 of 4 stars; one submission).

gnomAD v4.1: 3 of 1,595,996 alleles (0.00019%); highest among the groups gnomAD compares: Non-Finnish European, 0.00026%; no homozygotes.

Submission:

Dasa
Classification: Uncertain significance. Last evaluated: 2025-02-06. Review status: criteria provided, single submitter. Criteria: DASA Assertion Criteria. Collection method: clinical testing. Allele origin: germline.
Comment: NM_001281740.3(FHOD3):c.1781T>A (p.Val594Glu) is a missense variant that results in the substitution of valine with glutamic acid. This variant is rare in population databases. Computational prediction algorithms are consistent with a benign effect. The currently available literature and clinical evidence are not sufficient to establish a definitive association between this variant and the reported condition. Therefore, this variant is classified as a variant of uncertain significance.

NM_001281740.3(FHOD3):c.1781T>A (p.Val594Glu)

Gene: FHOD3 (formin homology 2 domain containing 3; plus strand). Cytogenetic location: 18q12.2.
Variant type: single nucleotide variant.
Coding change: c.1781T>A on transcript NM_001281740.3 (MANE Select); coding-DNA position 1781, T replaced by A.
Protein change: p.Val594Glu; replaces valine 594 with glutamic acid.
Molecular consequence: missense variant.
Genome position (GRCh38, 1-based): chr18:36,658,134, T>A. VCF-style: chr18-36658134-T-A. GRCh37 (hg19) VCF-style: chr18-34238097-T-A.
Other names: c.1256T>A, p.Val419Glu (NM_001281739.3, NM_025135.5); short protein forms V419E, V594E.
Identifiers: ClinVar variation 4886065 (VCV004886065.2).